The following is an entry in ClinVar:

ClinVar aggregate classification (germline): Uncertain significance (1 of 4 stars; one submission).

Conditions:
Cardiovascular phenotype. Identifiers: MedGen CN230736.

Allele frequency attached by ClinVar (database versions not stated): gnomAD 0.00001.
gnomAD v4.1: 1 of 1,613,872 alleles (0.000062%); highest among the groups gnomAD compares: African/African-American, 0.0013%; no homozygotes.

Submission:

Ambry Genetics
Classification: Uncertain significance for Cardiovascular phenotype. Last evaluated: 2020-12-02. Review status: criteria provided, single submitter. Criteria: Ambry Variant Classification Scheme 2023. Collection method: clinical testing. Allele origin: germline.
Comment: The p.I3849N variant (also known as c.11546T>A), located in coding exon 16 of the ALMS1 gene, results from a T to A substitution at nucleotide position 11546. The isoleucine at codon 3849 is replaced by asparagine, an amino acid with dissimilar properties. This amino acid position is well conserved in available vertebrate species. In addition, this alteration is predicted to be tolerated by in silico analysis. Since supporting evidence is limited at this time, the clinical significance of this alteration remains unclear.

NM_001378454.1(ALMS1):c.11543T>A (p.Ile3848Asn)

Gene: ALMS1 (ALMS1 centrosome and basal body associated protein; plus strand). Cytogenetic location: 2p13.1.
Variant type: single nucleotide variant.
Coding change: c.11543T>A on transcript NM_001378454.1 (MANE Select); coding-DNA position 11543, T replaced by A.
Protein change: p.Ile3848Asn; replaces isoleucine 3848 with asparagine.
Molecular consequence: missense variant.
Genome position (GRCh38, 1-based): chr2:73,573,420, T>A. VCF-style: chr2-73573420-T-A. GRCh37 (hg19) VCF-style: chr2-73800547-T-A.
Other names: c.11546T>A, p.Ile3849Asn (NM_015120.4); short protein forms I3848N, I3849N.
Identifiers: ClinVar variation 1734814 (VCV001734814.2), dbSNP rs1674988318, ClinGen allele CA347290771.